The following is an entry in ClinVar:

NM_198578.4(LRRK2):c.1955T>C (p.Ile652Thr)

Gene: LRRK2 (leucine rich repeat kinase 2; plus strand). Cytogenetic location: 12q12.
Variant type: single nucleotide variant.
Coding change: c.1955T>C on transcript NM_198578.4 (MANE Select); coding-DNA position 1955, T replaced by C.
Protein change: p.Ile652Thr; replaces isoleucine 652 with threonine.
Molecular consequence: missense variant.
Genome position (GRCh38, 1-based): chr12:40,277,901, T>C. VCF-style: chr12-40277901-T-C. GRCh37 (hg19) VCF-style: chr12-40671703-T-C.
Other names: short protein forms I652T.
Identifiers: ClinVar variation 1783299 (VCV001783299.2), dbSNP rs2499637139, ClinGen allele CA384404382.
Genomic context (GRCh38, chr12:40,277,901, plus strand): 5'-TTTGCCTGTAATTGCTTATTTTATTATTTTTTTTCTTATACTTTTAGGGATTTCAGACAA[T>C]CTTAGCAATCCTCAAATTGTCAGCATCTTTTTCTAAGCTGCTGGTGCATCATTCATTTGA-3'
Protein context (NP_940980.4, residues 642-662): AEIQTKGFQT[Ile652Thr]LAILKLSASF

ClinVar aggregate classification (germline): Uncertain significance (1 of 4 stars; one submission).

Conditions:
Inborn genetic diseases. Identifiers: MedGen C0950123, MeSH D030342.

Allele frequency attached by ClinVar (database versions not stated): gnomAD exomes below 0.00001.

Submission:

Ambry Genetics
Classification: Uncertain significance for Inborn genetic diseases. Last evaluated: 2021-12-04. Review status: criteria provided, single submitter. Criteria: Ambry Variant Classification Scheme 2023. Collection method: clinical testing. Allele origin: germline.
Comment: The p.I652T variant (also known as c.1955T>C), located in coding exon 17 of the LRRK2 gene, results from a T to C substitution at nucleotide position 1955. The isoleucine at codon 652 is replaced by threonine, an amino acid with similar properties. This amino acid position is conserved. In addition, this alteration is predicted to be tolerated by in silico analysis. Since supporting evidence is limited at this time, the clinical significance of this alteration remains unclear.